The following is an entry in ClinVar:

ClinVar aggregate classification (germline): Likely pathogenic (1 of 4 stars; one submission).

Submission:

Labcorp Genetics (formerly Invitae), Labcorp
Classification: Likely pathogenic. Last evaluated: 2023-07-16. Review status: criteria provided, single submitter. Criteria: Invitae Variant Classification Sherloc (09022015). Collection method: clinical testing. Allele origin: germline.
Comment: In summary, the currently available evidence indicates that the variant is pathogenic, but additional data are needed to prove that conclusively. Therefore, this variant has been classified as Likely Pathogenic. Algorithms developed to predict the effect of sequence changes on RNA splicing suggest that this variant may disrupt the consensus splice site. This variant has not been reported in the literature in individuals affected with NUP93-related conditions. This variant is not present in population databases (gnomAD no frequency). This sequence change affects a donor splice site in intron 16 of the NUP93 gene. It is expected to disrupt RNA splicing. Variants that disrupt the donor or acceptor splice site typically lead to a loss of protein function (PMID: 16199547), and loss-of-function variants in NUP93 are known to be pathogenic (PMID: 26878725, 31315584).

Literature cited by the submitters: PubMed 16199547; PubMed 26878725; PubMed 31315584.

NM_014669.5(NUP93):c.1782+1G>C

Gene: NUP93 (nucleoporin 93; plus strand). Cytogenetic location: 16q13.
Variant type: single nucleotide variant.
Coding change: c.1782+1G>C on transcript NM_014669.5 (MANE Select); the canonical splice donor site of the intron after coding-DNA position 1782, G replaced by C.
Molecular consequence: splice donor variant.
Genome position (GRCh38, 1-based): chr16:56,834,779, G>C. VCF-style: chr16-56834779-G-C. GRCh37 (hg19) VCF-style: chr16-56868691-G-C.
Other names: c.1413+1G>C (NM_001242795.2, NM_001242796.2).
Identifiers: ClinVar variation 2743562 (VCV002743562.3), dbSNP rs1963877282, ClinGen allele CA395991720.